The following is an entry in ClinVar:

NM_006231.4(POLE):c.5214del (p.Ile1739fs)

Gene: POLE (DNA polymerase epsilon, catalytic subunit; minus strand). Cytogenetic location: 12q24.33.
Variant type: Deletion.
Coding change: c.5214del on transcript NM_006231.4 (MANE Select); coding-DNA position 5214, one base deleted (C; older notation c.5214delC).
Protein change: p.Ile1739fs; shifts the reading frame from isoleucine 1739.
Molecular consequence: frameshift variant.
Genome position (GRCh38, 1-based): chr12:132,641,811, G deleted on the plus strand (C on the coding strand, the reverse complement: POLE is on the minus strand); the first of 2 consecutive G bases (chr12:132,641,811-132,641,812); deleting either gives the same sequence. VCF-style (leftmost placement, unchanged base first): chr12-132641810-TG-T. GRCh37 (hg19) VCF-style: chr12-133218396-TG-T.
Other names: short protein forms I1739fs.
Identifiers: ClinVar variation 5027040 (VCV005027040.1).
Genomic context (GRCh38, chr12:132,641,810, plus strand): 5'-CGAAGCTGATCCCCATGCTGTCGGCCCCCTCCATGTCGTTGACATGGTGAGACTGGAGAA[TG>T]GTGTTGACGGCCAGGTTCTGAAGGTCCAGCTCCACACACACTGCACAGGAAGACGCCATG-3'

ClinVar aggregate classification (germline): Uncertain significance (1 of 4 stars; one submission).

Conditions:
Hereditary cancer-predisposing syndrome. Also called: Neoplastic Syndromes, Hereditary; Tumor predisposition; Hereditary neoplastic syndrome; Hereditary Cancer Syndrome. Identifiers: Orphanet 140162, MedGen C0027672, MeSH D009386, MONDO:0015356.

Submission:

Ambry Genetics
Classification: Uncertain significance for Hereditary cancer-predisposing syndrome. Last evaluated: 2026-06-25. Review status: criteria provided, single submitter. Criteria: Ambry Variant Classification Scheme 2023. Collection method: clinical testing. Allele origin: germline.
Comment: The c.5214delC variant, located in coding exon 39 of the POLE gene, results from a deletion of one nucleotide at nucleotide position 5214, causing a translational frameshift with a predicted alternate stop codon (p.I1739Ffs*22). This alteration is expected to result in loss of function by premature protein truncation or nonsense-mediated mRNA decay. Although biallelic loss of function of POLE has been associated with autosomal recessive POLE deficiency, haploinsufficiency of POLE has not been established as a mechanism of disease for POLE-related polymerase proofreading-associated polyposis (PPAP) and POLE-related CMMRD-like syndrome. Based on the supporting evidence, this variant is expected to be causative of POLE deficiency when present along with a second pathogenic variant on the other allele; however, its clinical significance for PPAP and POLE-related CMMRD-like syndrome is unclear.